The following is an entry in ClinVar:

NM_024675.4(PALB2):c.361A>G (p.Thr121Ala)

Gene: PALB2 (partner and localizer of BRCA2; minus strand). Cytogenetic location: 16p12.2.
Variant type: single nucleotide variant.
Coding change: c.361A>G on transcript NM_024675.4 (MANE Select); coding-DNA position 361, A replaced by G.
Protein change: p.Thr121Ala; replaces threonine 121 with alanine.
Molecular consequence: missense variant.
Genome position (GRCh38, 1-based): chr16:23,636,185, T>C on the plus strand (A>G on the coding strand, the complement: PALB2 is on the minus strand). VCF-style: chr16-23636185-T-C. GRCh37 (hg19) VCF-style: chr16-23647506-T-C.
Other names: short protein forms T121A.
Identifiers: ClinVar variation 1040505 (VCV001040505.10), dbSNP rs1967052155, ClinGen allele CA395137596.

ClinVar aggregate classification (germline): Uncertain significance. Review status: criteria provided, multiple submitters, no conflicts (2 of 4 stars). 2 submissions from 2 submitters: Uncertain significance (2). Last evaluated 2022-05-04.

Conditions:
Hereditary cancer-predisposing syndrome. Also called: Hereditary Cancer Syndrome; Tumor predisposition; Hereditary neoplastic syndrome; Neoplastic Syndromes, Hereditary. Identifiers: Orphanet 140162, MedGen C0027672, MeSH D009386, MONDO:0015356.
Familial cancer of breast. Also called: hereditary breast carcinoma; Hereditary breast cancer; BREAST CANCER, FAMILIAL. Identifiers: Orphanet 227535, MedGen C0346153, MONDO:0016419, OMIM 114480. Disease mechanism: loss of function.

Submissions (2):

Ambry Genetics
Classification: Uncertain significance for Hereditary cancer-predisposing syndrome. Last evaluated: 2022-05-04. Review status: criteria provided, single submitter. Criteria: Ambry Variant Classification Scheme 2023. Collection method: clinical testing. Allele origin: germline.
Comment: The p.T121A variant (also known as c.361A>G), located in coding exon 4 of the PALB2 gene, results from an A to G substitution at nucleotide position 361. The threonine at codon 121 is replaced by alanine, an amino acid with similar properties. This amino acid position is conserved. In addition, this alteration is predicted to be tolerated by in silico analysis. Since supporting evidence is limited at this time, the clinical significance of this alteration remains unclear.

Labcorp Genetics (formerly Invitae), Labcorp
Classification: Uncertain significance for Familial cancer of breast. Last evaluated: 2021-10-06. Review status: criteria provided, single submitter. Criteria: Invitae Variant Classification Sherloc (09022015). Collection method: clinical testing. Allele origin: germline.
Comment: This sequence change replaces threonine with alanine at codon 121 of the PALB2 protein (p.Thr121Ala). The threonine residue is moderately conserved and there is a small physicochemical difference between threonine and alanine. This variant is not present in population databases (ExAC no frequency). This variant has not been reported in the literature in individuals affected with PALB2-related conditions. Algorithms developed to predict the effect of missense changes on protein structure and function output the following: SIFT: "Tolerated"; PolyPhen-2: "Benign"; Align-GVGD: "Class C0". The alanine amino acid residue is found in multiple mammalian species, which suggests that this missense change does not adversely affect protein function. In summary, the available evidence is currently insufficient to determine the role of this variant in disease. Therefore, it has been classified as a Variant of Uncertain Significance.